The following is an entry in ClinVar:

ClinVar aggregate classification (germline): Uncertain significance. Review status: criteria provided, multiple submitters, no conflicts (2 of 4 stars). 4 submissions from 3 submitters: Uncertain significance (4). Last evaluated 2025-12-02.

Conditions:
Hypophosphatemic rickets, autosomal recessive, 2 (ARHR2). Identifiers: Orphanet 289176, MedGen C2750078, MONDO:0013219, OMIM 613312.
Obesity. Also called: Obesity disorder. Identifiers: Orphanet 71529, MedGen C0028754, MeSH D009765, MONDO:0011122, HP:0001513.
Hypopigmentation-punctate palmoplantar keratoderma syndrome. Also called: GUTTATE HYPOPIGMENTATION AND PUNCTATE PALMOPLANTAR KERATODERMA WITH OR WITHOUT ECTOPIC CALCIFICATION; Cole disease. Identifiers: Orphanet 324561, MedGen C3809781, MONDO:0014227, OMIM 615522.
Type 2 diabetes mellitus. Also called: Type II diabetes mellitus. Identifiers: MedGen C0011860, MeSH D003924, MONDO:0005148, OMIM 125853, HP:0005978.
Arterial calcification, generalized, of infancy, 1 (GACI1). Also called: Idiopathic Infantile Arterial Calcification. Identifiers: Orphanet 51608, MedGen C4551985, MONDO:0008817, OMIM 208000.

Allele frequency attached by ClinVar (database versions not stated): TOPMed 0.00002; gnomAD exomes 0.00003; ExAC 0.00005.
gnomAD v4.1: 53 of 1,613,830 alleles (0.0033%); highest among the groups gnomAD compares: East Asian, 0.078%; no homozygotes.

Submissions (4):

Labcorp Genetics (formerly Invitae), Labcorp
Classification: Uncertain significance. Last evaluated: 2025-12-02. Review status: criteria provided, single submitter. Criteria: Invitae Variant Classification Sherloc (09022015). Collection method: clinical testing. Allele origin: germline.
Comment: This sequence change replaces valine, which is neutral and non-polar, with methionine, which is neutral and non-polar, at codon 697 of the ENPP1 protein (p.Val697Met). This variant is present in population databases (rs762065573, gnomAD 0.05%). This variant has not been reported in the literature in individuals affected with ENPP1-related conditions. ClinVar contains an entry for this variant (Variation ID: 355346). Invitae Evidence Modeling of protein sequence and biophysical properties (such as structural, functional, and spatial information, amino acid conservation, physicochemical variation, residue mobility, and thermodynamic stability) indicates that this missense variant is not expected to disrupt ENPP1 protein function with a negative predictive value of 80%. In summary, the available evidence is currently insufficient to determine the role of this variant in disease. Therefore, it has been classified as a Variant of Uncertain Significance.

Fulgent Genetics
Classification: Uncertain significance for Type 2 diabetes mellitus; Arterial calcification, generalized, of infancy, 1; Inherited obesity; Hypophosphatemic rickets, autosomal recessive, 2; Hypopigmentation-punctate palmoplantar keratoderma syndrome. Last evaluated: 2022-02-18. Review status: criteria provided, single submitter. Criteria: ACMG Guidelines, 2015. Collection method: clinical testing. Allele origin: unknown.

Illumina Laboratory Services, Illumina
Classification: Uncertain significance for Hypophosphatemic rickets, autosomal recessive, 2. Last evaluated: 2018-01-13. Review status: criteria provided, single submitter. Criteria: ICSL Variant Classification Criteria 13 December 2019. Collection method: clinical testing. Allele origin: germline.

Illumina Laboratory Services, Illumina
Classification: Uncertain significance for Arterial calcification, generalized, of infancy, 1. Last evaluated: 2018-01-13. Review status: criteria provided, single submitter. Criteria: ICSL Variant Classification Criteria 13 December 2019. Collection method: clinical testing. Allele origin: germline.

NM_006208.3(ENPP1):c.2089G>A (p.Val697Met)

Gene: ENPP1 (ectonucleotide pyrophosphatase/phosphodiesterase 1; plus strand). Cytogenetic location: 6q23.2.
Variant type: single nucleotide variant.
Coding change: c.2089G>A on transcript NM_006208.3 (MANE Select); coding-DNA position 2089, G replaced by A.
Protein change: p.Val697Met; replaces valine 697 with methionine.
Molecular consequence: missense variant.
Genome position (GRCh38, 1-based): chr6:131,880,023, G>A. VCF-style: chr6-131880023-G-A. GRCh37 (hg19) VCF-style: chr6-132201163-G-A.
Other names: short protein forms V697M.
Identifiers: ClinVar variation 355346 (VCV000355346.9), dbSNP rs762065573, ClinGen allele CA4002411.